The following is an entry in ClinVar:

NM_006017.3(PROM1):c.1877T>G (p.Ile626Arg)

Gene: PROM1 (prominin 1; minus strand). Cytogenetic location: 4p15.32.
Variant type: single nucleotide variant.
Coding change: c.1877T>G on transcript NM_006017.3 (MANE Select); coding-DNA position 1877, T replaced by G.
Protein change: p.Ile626Arg; replaces isoleucine 626 with arginine.
Molecular consequence: missense variant.
Genome position (GRCh38, 1-based): chr4:15,992,282, A>C on the plus strand (T>G on the coding strand, the complement: PROM1 is on the minus strand). VCF-style: chr4-15992282-A-C. GRCh37 (hg19) VCF-style: chr4-15993905-A-C.
Other names: c.1850T>G, p.Ile617Arg (NM_001145847.2, NM_001145848.2, NM_001145851.2 and 4 more transcripts); c.1877T>G, p.Ile626Arg (NM_001145849.2, NM_001145850.2); short protein forms I617R, I626R.
Identifiers: ClinVar variation 2810633 (VCV002810633.3), dbSNP rs778029204, ClinGen allele CA2866618.

ClinVar aggregate classification (germline): Uncertain significance (1 of 4 stars; one submission).

Allele frequency attached by ClinVar (database versions not stated): ExAC 0.00002.
gnomAD v4.1: 1 of 1,614,010 alleles (0.000062%); highest among the groups gnomAD compares: Non-Finnish European, 0.000085%; no homozygotes.

Submission:

Labcorp Genetics (formerly Invitae), Labcorp
Classification: Uncertain significance. Last evaluated: 2023-04-27. Review status: criteria provided, single submitter. Criteria: Invitae Variant Classification Sherloc (09022015). Collection method: clinical testing. Allele origin: germline.
Comment: Advanced modeling of protein sequence and biophysical properties (such as structural, functional, and spatial information, amino acid conservation, physicochemical variation, residue mobility, and thermodynamic stability) performed at Invitae indicates that this missense variant is expected to disrupt PROM1 protein function. This sequence change replaces isoleucine, which is neutral and non-polar, with arginine, which is basic and polar, at codon 626 of the PROM1 protein (p.Ile626Arg). This variant is present in population databases (rs778029204, gnomAD 0.002%). This variant has not been reported in the literature in individuals affected with PROM1-related conditions. Algorithms developed to predict the effect of sequence changes on RNA splicing suggest that this variant may disrupt the consensus splice site. In summary, the available evidence is currently insufficient to determine the role of this variant in disease. Therefore, it has been classified as a Variant of Uncertain Significance.